The following is an entry in ClinVar:

NM_021076.4(NEFH):c.884-1G>T

Gene: NEFH (neurofilament heavy chain; plus strand). Cytogenetic location: 22q12.2.
Variant type: single nucleotide variant.
Coding change: c.884-1G>T on transcript NM_021076.4 (MANE Select); the canonical splice acceptor site of the intron before coding-DNA position 884, G replaced by T.
Molecular consequence: splice acceptor variant.
Genome position (GRCh38, 1-based): chr22:29,483,374, G>T. VCF-style: chr22-29483374-G-T. GRCh37 (hg19) VCF-style: chr22-29879363-G-T.
Identifiers: ClinVar variation 4073441 (VCV004073441.4).

ClinVar aggregate classification (germline): Conflicting classifications of pathogenicity. Review status: criteria provided, conflicting classifications (1 of 4 stars). 3 submissions from 3 submitters: Likely pathogenic (1); Uncertain significance (1). 1 of the submissions does not count toward it. Last evaluated 2026-01-08.

Conditions:
Charcot-Marie-Tooth disease axonal type 2CC. Also called: CHARCOT-MARIE-TOOTH NEUROPATHY, TYPE 2CC. Identifiers: MedGen C4310790, MONDO:0014836, OMIM 616924.

gnomAD v4.1: 4 of 1,613,794 alleles (0.00025%); highest among the groups gnomAD compares: Admixed American, 0.0017%; no homozygotes.

Submissions (3):

Labcorp Genetics (formerly Invitae), Labcorp
Classification: Uncertain significance. Last evaluated: 2026-01-08. Review status: criteria provided, single submitter. Criteria: Invitae Variant Classification Sherloc (09022015). Collection method: clinical testing. Allele origin: germline.
Comment: This sequence change affects an acceptor splice site in intron 1 of the NEFH gene. It is expected to disrupt RNA splicing. Variants that disrupt the donor or acceptor splice site typically lead to a loss of protein function (PMID: 16199547), however the current clinical and genetic evidence is not sufficient to establish whether loss-of-function variants in NEFH cause disease. This variant is present in population databases (no rsID available, gnomAD 0.003%). This variant has not been reported in the literature in individuals affected with NEFH-related conditions. Algorithms developed to predict the effect of sequence changes on RNA splicing suggest that this variant may disrupt the consensus splice site. In summary, the available evidence is currently insufficient to determine the role of this variant in disease. Therefore, it has been classified as a Variant of Uncertain Significance.

Dasa
Classification: Likely pathogenic. Last evaluated: 2025-03-31. Review status: criteria provided, single submitter. Criteria: DASA Assertion Criteria. Collection method: clinical testing. Allele origin: germline.
Comment: NM_021076.4(NEFH):c.884-1G>T affects a canonical splice site and is predicted to disrupt normal RNA splicing. Loss of function is an established disease mechanism for NEFH-associated disorders. Also, this variant is rare in population databases. Based on the currently available evidence, this variant is classified as likely pathogenic.

Next Generation Genetic Polyclinic
Classification: Likely pathogenic for Charcot-Marie-Tooth disease axonal type 2CC. Review status: no assertion criteria provided. Collection method: clinical testing. Allele origin: de novo. Affected: yes. Not counted in ClinVar's aggregate classification.

Literature cited by the submitters: PubMed 16199547 (cited by Labcorp Genetics (formerly Invitae), Labcorp).